The following is an entry in ClinVar:

ClinVar aggregate classification (germline): Uncertain significance (1 of 4 stars; one submission).

Conditions:
Noonan syndrome 9 (NS9). Identifiers: Orphanet 648, MedGen C4225282, MONDO:0014691, OMIM 616559.

Submission:

Labcorp Genetics (formerly Invitae), Labcorp
Classification: Uncertain significance for Noonan syndrome 9. Last evaluated: 2024-05-09. Review status: criteria provided, single submitter. Criteria: Invitae Variant Classification Sherloc (09022015). Collection method: clinical testing. Allele origin: germline.
Comment: This sequence change falls in intron 5 of the SOS2 gene. It does not directly change the encoded amino acid sequence of the SOS2 protein. This variant is not present in population databases (gnomAD no frequency). This variant has not been reported in the literature in individuals affected with SOS2-related conditions. Algorithms developed to predict the effect of sequence changes on RNA splicing suggest that this variant may create or strengthen a splice site. In summary, the available evidence is currently insufficient to determine the role of this variant in disease. Therefore, it has been classified as a Variant of Uncertain Significance.

NM_006939.4(SOS2):c.715-20C>G

Gene: SOS2 (SOS Ras/Rho guanine nucleotide exchange factor 2; minus strand). Cytogenetic location: 14q21.3.
Variant type: single nucleotide variant.
Coding change: c.715-20C>G on transcript NM_006939.4 (MANE Select); 20 bases into the intron before coding-DNA position 715, C replaced by G.
Molecular consequence: intron variant.
Genome position (GRCh38, 1-based): chr14:50,182,626, G>C on the plus strand (C>G on the coding strand, the complement: SOS2 is on the minus strand). VCF-style: chr14-50182626-G-C. GRCh37 (hg19) VCF-style: chr14-50649344-G-C.
Other names: c.715-20C>G (NM_001411020.1).
Identifiers: ClinVar variation 3690728 (VCV003690728.2).